The following is an entry in ClinVar:

NM_019096.5(GTPBP2):c.1667G>A (p.Arg556His)

Gene: GTPBP2 (GTP binding protein 2; minus strand). Cytogenetic location: 6p21.1.
Variant type: single nucleotide variant.
Coding change: c.1667G>A on transcript NM_019096.5 (MANE Select); coding-DNA position 1667, G replaced by A.
Protein change: p.Arg556His; replaces arginine 556 with histidine.
Molecular consequence: missense variant.
Genome position (GRCh38, 1-based): chr6:43,621,756, C>T on the plus strand (G>A on the coding strand, the complement: GTPBP2 is on the minus strand). VCF-style: chr6-43621756-C-T. GRCh37 (hg19) VCF-style: chr6-43589493-C-T.
Other names: c.1403G>A, p.Arg468His (NM_001286216.2); short protein forms R468H, R556H.
Identifiers: ClinVar variation 1365100 (VCV001365100.10), dbSNP rs35691947, ClinGen allele CA3827467.

ClinVar aggregate classification (germline): Uncertain significance. Review status: criteria provided, multiple submitters, no conflicts (2 of 4 stars). 2 submissions from 2 submitters: Uncertain significance (2). Last evaluated 2024-10-29.

Conditions:
Inborn genetic diseases. Identifiers: MedGen C0950123, MeSH D030342.

Allele frequency attached by ClinVar (database versions not stated): gnomAD 0.00003 and 0.00004; TOPMed 0.00005; ESP Exome Variant Server 0.00008; 1000 Genomes Project 0.00020; 1000 Genomes Project 30x 0.00031.
gnomAD v4.1: 15 of 1,614,170 alleles (0.00093%); highest among the groups gnomAD compares: African/African-American, 0.015%; no homozygotes.

Submissions (2):

Labcorp Genetics (formerly Invitae), Labcorp
Classification: Uncertain significance. Last evaluated: 2024-10-29. Review status: criteria provided, single submitter. Criteria: Invitae Variant Classification Sherloc (09022015). Collection method: clinical testing. Allele origin: germline.
Comment: This sequence change replaces arginine, which is basic and polar, with histidine, which is basic and polar, at codon 556 of the GTPBP2 protein (p.Arg556His). This variant is present in population databases (rs35691947, gnomAD 0.02%). This variant has not been reported in the literature in individuals affected with GTPBP2-related conditions. ClinVar contains an entry for this variant (Variation ID: 1365100). An algorithm developed to predict the effect of missense changes on protein structure and function (PolyPhen-2) suggests that this variant is likely to be disruptive. In summary, the available evidence is currently insufficient to determine the role of this variant in disease. Therefore, it has been classified as a Variant of Uncertain Significance.

Ambry Genetics
Classification: Uncertain significance for Inborn genetic diseases. Last evaluated: 2022-03-16. Review status: criteria provided, single submitter. Criteria: Ambry Variant Classification Scheme 2023. Collection method: clinical testing. Allele origin: germline.